The following is an entry in ClinVar:

ClinVar aggregate classification (germline): Uncertain significance (1 of 4 stars; one submission).

Conditions:
Inborn genetic diseases. Identifiers: MedGen C0950123, MeSH D030342.

Submission:

Ambry Genetics
Classification: Uncertain significance for Inborn genetic diseases. Last evaluated: 2024-01-29. Review status: criteria provided, single submitter. Criteria: Ambry Variant Classification Scheme 2023. Collection method: clinical testing. Allele origin: germline.
Comment: The p.L1582P variant (also known as c.4745T>C), located in coding exon 33 of the LRRK2 gene, results from a T to C substitution at nucleotide position 4745. The leucine at codon 1582 is replaced by proline, an amino acid with similar properties. This amino acid position is conserved. In addition, this alteration is predicted to be deleterious by in silico analysis. Based on the available evidence, the clinical significance of this alteration remains unclear.

NM_198578.4(LRRK2):c.4745T>C (p.Leu1582Pro)

Gene: LRRK2 (leucine rich repeat kinase 2; plus strand). Cytogenetic location: 12q12.
Variant type: single nucleotide variant.
Coding change: c.4745T>C on transcript NM_198578.4 (MANE Select); coding-DNA position 4745, T replaced by C.
Protein change: p.Leu1582Pro; replaces leucine 1582 with proline.
Molecular consequence: missense variant.
Genome position (GRCh38, 1-based): chr12:40,315,218, T>C. VCF-style: chr12-40315218-T-C. GRCh37 (hg19) VCF-style: chr12-40709020-T-C.
Other names: short protein forms L1582P.
Identifiers: ClinVar variation 3229668 (VCV003229668.1), dbSNP rs2499852652, ClinGen allele CA384419189.